The following is an entry in ClinVar:

NM_020778.5(ALPK3):c.3303CCT[1] (p.Leu1103del)

Gene: ALPK3 (alpha kinase 3; plus strand). Cytogenetic location: 15q25.3.
Variant type: Microsatellite.
Coding change: c.3303CCT[1] on transcript NM_020778.5 (MANE Select); one copy of the 3-base unit CCT starting at c.3303; the reference has two copies in a row; one copy, 3 bases deleted.
Protein change: p.Leu1103del; deletes leucine 1103.
Molecular consequence: inframe deletion.
Genome position (GRCh38, 1-based): chr15:84,858,044-84,858,046, CCT deleted; deleting any 3 consecutive bases within chr15:84,858,041-84,858,046 gives the same sequence; the position shown is the placement nearest the transcript's 3' end. VCF-style (leftmost placement, unchanged base first): chr15-84858040-GCCT-G. GRCh37 (hg19) VCF-style: chr15-85401271-GCCT-G.
Other names: short protein forms L1103del.
Identifiers: ClinVar variation 4701493 (VCV004701493.1).

ClinVar aggregate classification (germline): Uncertain significance (1 of 4 stars; one submission).

Submission:

Labcorp Genetics (formerly Invitae), Labcorp
Classification: Uncertain significance. Last evaluated: 2025-04-01. Review status: criteria provided, single submitter. Criteria: Invitae Variant Classification Sherloc (09022015). Collection method: clinical testing. Allele origin: germline.
Comment: This variant, c.3912_3914del, results in the deletion of 1 amino acid(s) of the ALPK3 protein (p.Leu1305del), but otherwise preserves the integrity of the reading frame. This variant is not present in population databases (gnomAD no frequency). This variant has not been reported in the literature in individuals affected with ALPK3-related conditions. Experimental studies and prediction algorithms are not available or were not evaluated, and the functional significance of this variant is currently unknown. In summary, the available evidence is currently insufficient to determine the role of this variant in disease. Therefore, it has been classified as a Variant of Uncertain Significance.